The following is an entry in ClinVar:

ClinVar aggregate classification (germline): Conflicting classifications of pathogenicity. Review status: criteria provided, conflicting classifications (1 of 4 stars). 6 submissions from 6 submitters: Likely pathogenic (5); Uncertain significance (1). Last evaluated 2026-01-07.

Conditions:
ERCC4-Related Disorders.
Fanconi anemia complementation group Q. Identifiers: Orphanet 84, MedGen C3808988, MONDO:0014108, OMIM 615272.
Xeroderma pigmentosum, group F (XPF). Also called: ERCC4-Related Xeroderma Pigmentosum; XERODERMA PIGMENTOSUM, TYPE F; Xeroderma pigmentosum, type 6; XERODERMA PIGMENTOSUM VI; XP, GROUP F; XERODERMA PIGMENTOSUM, COMPLEMENTATION GROUP F. Identifiers: MedGen C0268140, MONDO:0010215, OMIM 278760.
Cockayne syndrome. Identifiers: Orphanet 191, MedGen C0009207, MONDO:0016006.
XFE progeroid syndrome (XFEPS). Also called: XPF-ERCC1 PROGEROID SYNDROME. Identifiers: MedGen C1970416, MONDO:0012590, OMIM 610965.

Submissions (6):

Labcorp Genetics (formerly Invitae), Labcorp
Classification: Likely pathogenic for Fanconi anemia complementation group Q; Xeroderma pigmentosum, group F; Cockayne syndrome. Last evaluated: 2026-01-07. Review status: criteria provided, single submitter. Criteria: Invitae Variant Classification Sherloc (09022015). Collection method: clinical testing. Allele origin: germline.
Comment: This variant results in the deletion of part of exon 3 (c.580_584+1del) of the ERCC4 gene. It is expected to disrupt RNA splicing. Variants that disrupt the donor or acceptor splice site typically lead to a loss of protein function (PMID: 16199547), and loss-of-function variants in ERCC4 are known to be pathogenic (PMID: 9580660). This variant is present in population databases (rs776329282, gnomAD 0.02%). This variant has been observed in individual(s) with clinical features of xeroderma pigmentosum-F (PMID: 28431612). ClinVar contains an entry for this variant (Variation ID: 840550). In summary, the currently available evidence indicates that the variant is pathogenic, but additional data are needed to prove that conclusively. Therefore, this variant has been classified as Likely Pathogenic.

Blueprint Genetics
Classification: Likely pathogenic for ERCC4-related disorders. Last evaluated: 2024-06-05. Review status: criteria provided, single submitter. Criteria: ACMG Guidelines, 2015. Collection method: clinical testing. Allele origin: germline. Affected: yes. Observed: 4 variant alleles.

Fulgent Genetics
Classification: Likely pathogenic for Xeroderma pigmentosum, group F; XFE progeroid syndrome; Fanconi anemia complementation group Q. Last evaluated: 2024-03-07. Review status: criteria provided, single submitter. Criteria: ACMG Guidelines, 2015. Collection method: clinical testing. Allele origin: germline.

Department of Pathology and Laboratory Medicine, Sinai Health System
Classification: Likely pathogenic for Xeroderma pigmentosum, group F; XFE progeroid syndrome; Fanconi anemia complementation group Q. Last evaluated: 2022-07-14. Review status: criteria provided, single submitter. Criteria: ACMG Guidelines, 2015. Collection method: research. Allele origin: germline.

CeGaT Center for Human Genetics Tuebingen
Classification: Likely pathogenic. Last evaluated: 2021-04-01. Review status: criteria provided, single submitter. Criteria: CeGaT Center For Human Genetics Tuebingen Variant Classification Criteria Version 2. Collection method: clinical testing. Allele origin: germline. Affected: yes. Observed: 1 variant allele.

Genetic Services Laboratory, University of Chicago
Classification: Uncertain significance. Last evaluated: 2019-09-23. Review status: criteria provided, single submitter. Criteria: ACMG Guidelines, 2015. Collection method: clinical testing. Allele origin: germline. Affected: no.

Literature cited by the submitters: PubMed 16199547 (cited by Labcorp Genetics (formerly Invitae), Labcorp); PubMed 9580660 (cited by Labcorp Genetics (formerly Invitae), Labcorp); PubMed 28431612 (cited by Labcorp Genetics (formerly Invitae), Labcorp).

NM_005236.3(ERCC4):c.580_584+1del

Gene: ERCC4 (ERCC excision repair 4, endonuclease catalytic subunit; plus strand). Cytogenetic location: 16p13.12.
Variant type: Deletion.
Coding change: c.580_584+1del on transcript NM_005236.3 (MANE Select); coding-DNA position 580 through the canonical splice donor site of the intron after coding-DNA position 584, 6 bases deleted (CCAAGG; older notation c.580_584+1delCCAAGG).
Molecular consequence: splice donor variant.
Genome position (GRCh38, 1-based): chr16:13,926,752-13,926,757, CCAAGG deleted; deleting any 6 consecutive bases within chr16:13,926,750-13,926,757 gives the same sequence; the c. name uses the placement nearest the transcript's 3' end. VCF-style (leftmost placement, unchanged base first): chr16-13926749-TGGCCAA-T. GRCh37 (hg19) VCF-style: chr16-14020606-TGGCCAA-T.
Other names: c.579_584del (NM_005236.3).
Identifiers: ClinVar variation 840550 (VCV000840550.50), dbSNP rs776329282, ClinGen allele CA7910223.